The following is an entry in ClinVar:

ClinVar aggregate classification (germline): Uncertain significance (1 of 4 stars; one submission).

Conditions:
BCORL1-related disorder. Also called: BCORL1-related condition.

Submission:

PreventionGenetics, part of Exact Sciences
Classification: Uncertain significance for BCORL1-related condition. Last evaluated: 2025-05-03. Review status: criteria provided, single submitter. Criteria: ACMG Guidelines, 2015. Collection method: clinical testing. Allele origin: germline.
Comment: The BCORL1 c.3419T>G variant is predicted to result in the amino acid substitution p.Val1140Gly. To our knowledge, this variant has not been reported in the literature or in a large population database (gnomAD), indicating this variant is rare. At this time, the clinical significance of this variant is uncertain due to the absence of conclusive functional and genetic evidence.

NM_001379451.1(BCORL1):c.3419T>G (p.Val1140Gly)

Gene: BCORL1 (BCL6 corepressor like 1; plus strand). Cytogenetic location: Xq26.1.
Variant type: single nucleotide variant.
Coding change: c.3419T>G on transcript NM_001379451.1 (MANE Select); coding-DNA position 3419, T replaced by G.
Protein change: p.Val1140Gly; replaces valine 1140 with glycine.
Molecular consequence: missense variant.
Genome position (GRCh38, 1-based): chrX:130,016,191, T>G. VCF-style: chrX-130016191-T-G. GRCh37 (hg19) VCF-style: chrX-129150167-T-G.
Other names: c.3419T>G, p.Val1140Gly (NM_001184772.3, NM_001379450.1, NM_001441326.1 and 7 more transcripts); short protein forms V1140G.
Identifiers: ClinVar variation 4999302 (VCV004999302.1).